The following is an entry in ClinVar:

ClinVar aggregate classification (germline): Uncertain significance (1 of 4 stars; one submission).

gnomAD v4.1: 1 of 1,611,294 alleles (0.000062%); highest among the groups gnomAD compares: Non-Finnish European, 0.000085%; no homozygotes.

Submission:

CeGaT Center for Human Genetics Tuebingen
Classification: Uncertain significance. Last evaluated: 2025-06-01. Review status: criteria provided, single submitter. Criteria: CeGaT Center For Human Genetics Tuebingen Variant Classification Criteria Version 2. Collection method: clinical testing. Allele origin: germline. Affected: yes. Observed: 1 variant allele.
Comment: TCF20: PM2, BP4

NM_001378418.1(TCF20):c.5828T>C (p.Leu1943Ser)

Gene: TCF20 (transcription factor 20; minus strand). Cytogenetic location: 22q13.2.
Variant type: single nucleotide variant.
Coding change: c.5828T>C on transcript NM_001378418.1 (MANE Select); coding-DNA position 5828, T replaced by C.
Protein change: p.Leu1943Ser; replaces leucine 1943 with serine.
Molecular consequence: missense variant. On other transcripts: intron variant (1).
Genome position (GRCh38, 1-based): chr22:42,168,708, A>G on the plus strand (T>C on the coding strand, the complement: TCF20 is on the minus strand). VCF-style: chr22-42168708-A-G. GRCh37 (hg19) VCF-style: chr22-42564714-A-G.
Other names: c.5828T>C, p.Leu1943Ser (NM_005650.4); c.5799+1139T>C (NM_181492.3); short protein forms L1943S.
Identifiers: ClinVar variation 4085180 (VCV004085180.8).